The following is an entry in ClinVar:

NM_001048174.2(MUTYH):c.1429T>A (p.Cys477Ser)

Gene: MUTYH (mutY DNA glycosylase; minus strand). Cytogenetic location: 1p34.1.
Variant type: single nucleotide variant.
Coding change: c.1429T>A on transcript NM_001048174.2 (MANE Select); coding-DNA position 1429, T replaced by A.
Protein change: p.Cys477Ser; replaces cysteine 477 with serine.
Molecular consequence: missense variant. On other transcripts: non-coding transcript variant (7).
Genome position (GRCh38, 1-based): chr1:45,330,521, A>T on the plus strand (T>A on the coding strand, the complement: MUTYH is on the minus strand). VCF-style: chr1-45330521-A-T. GRCh37 (hg19) VCF-style: chr1-45796193-A-T.
Other names: c.1084T>A, p.Cys362Ser (NM_001350650.2, NM_001350651.2, NM_001407082.1); c.1462T>A, p.Cys488Ser (NM_001407069.1, NM_001407077.1, NM_001293191.2); c.1429T>A, p.Cys477Ser (NM_001407070.1, NM_001407072.1, NM_001407073.1 and 6 more transcripts); c.1432T>A, p.Cys478Ser (NM_001407071.1, NM_001048172.2, NM_001407078.1 and 1 more transcripts); c.1345T>A, p.Cys449Ser (NM_001407075.1); c.1513T>A, p.Cys505Ser (NM_001128425.2); c.1474T>A, p.Cys492Ser (NM_001293190.2); c.1153T>A, p.Cys385Ser (NM_001293192.2, NM_001293196.2, NM_001407091.1); and 5 more; short protein forms C449S, C464S, C478S, C484S, C491S, C362S, C492S, C505S.
Identifiers: ClinVar variation 4113307 (VCV004113307.1).

ClinVar aggregate classification (germline): Uncertain significance (1 of 4 stars; one submission).

Conditions:
Hereditary cancer-predisposing syndrome. Also called: Tumor predisposition; Neoplastic Syndromes, Hereditary; Hereditary neoplastic syndrome; Hereditary Cancer Syndrome. Identifiers: Orphanet 140162, MedGen C0027672, MeSH D009386, MONDO:0015356.

Submission:

Ambry Genetics
Classification: Uncertain significance for Hereditary cancer-predisposing syndrome. Last evaluated: 2025-08-27. Review status: criteria provided, single submitter. Criteria: Ambry Variant Classification Scheme 2023. Collection method: clinical testing. Allele origin: germline.
Comment: The p.C505S variant (also known as c.1513T>A), located in coding exon 15 of the MUTYH gene, results from a T to A substitution at nucleotide position 1513. The cysteine at codon 505 is replaced by serine, an amino acid with dissimilar properties. This amino acid position is conserved. In addition, this alteration is predicted to be tolerated by in silico analysis. Based on the available evidence, the clinical significance of this variant remains unclear.